The following is an entry in ClinVar:

NM_024496.4(IRF2BPL):c.826C>A (p.Pro276Thr)

Gene: IRF2BPL (interferon regulatory factor 2 binding protein like; minus strand). Cytogenetic location: 14q24.3.
Variant type: single nucleotide variant.
Coding change: c.826C>A on transcript NM_024496.4 (MANE Select); coding-DNA position 826, C replaced by A.
Protein change: p.Pro276Thr; replaces proline 276 with threonine.
Molecular consequence: missense variant.
Genome position (GRCh38, 1-based): chr14:77,026,967, G>T on the plus strand (C>A on the coding strand, the complement: IRF2BPL is on the minus strand). VCF-style: chr14-77026967-G-T. GRCh37 (hg19) VCF-style: chr14-77493310-G-T.
Other names: short protein forms P276T.
Identifiers: ClinVar variation 3363675 (VCV003363675.1).

ClinVar aggregate classification (germline): Uncertain significance (1 of 4 stars; one submission).

Submission:

GeneDx
Classification: Uncertain significance. Last evaluated: 2023-10-31. Review status: criteria provided, single submitter. Criteria: GeneDx Variant Classification Process June 2021. Collection method: clinical testing. Allele origin: germline. Affected: yes.
Comment: Not observed at significant frequency in large population cohorts (gnomAD); In silico analysis supports that this missense variant does not alter protein structure/function; Has not been previously published as pathogenic or benign to our knowledge